The following is an entry in ClinVar:

NM_000301.5(PLG):c.1234A>G (p.Thr412Ala)

Gene: PLG (plasminogen; plus strand). Cytogenetic location: 6q26.
Variant type: single nucleotide variant.
Coding change: c.1234A>G on transcript NM_000301.5 (MANE Select); coding-DNA position 1234, A replaced by G.
Protein change: p.Thr412Ala; replaces threonine 412 with alanine.
Molecular consequence: missense variant.
Genome position (GRCh38, 1-based): chr6:160,722,545, A>G. VCF-style: chr6-160722545-A-G. GRCh37 (hg19) VCF-style: chr6-161143577-A-G.
Other names: short protein forms T412A.
Identifiers: ClinVar variation 3611469 (VCV003611469.2).
Genomic context (GRCh38, chr6:160,722,545, plus strand): 5'-ACCACCACAGGAAAGAAGTGTCAGTCTTGGTCATCTATGACACCACACCGGCACCAGAAG[A>G]CCCCAGAAAACTACCCAAATGCGTATGTCTTTGATTTTTACTGTAAGAGGGGCATCAGCC-3'
Protein context (NP_000292.1, residues 402-422): SSMTPHRHQK[Thr412Ala]PENYPNAGLT

ClinVar aggregate classification (germline): Uncertain significance (1 of 4 stars; one submission).

gnomAD v4.1: 5 of 1,613,734 alleles (0.00031%); highest among the groups gnomAD compares: Non-Finnish European, 0.00042%; no homozygotes.

Submission:

Labcorp Genetics (formerly Invitae), Labcorp
Classification: Uncertain significance. Last evaluated: 2024-06-13. Review status: criteria provided, single submitter. Criteria: Invitae Variant Classification Sherloc (09022015). Collection method: clinical testing. Allele origin: germline.
Comment: This sequence change replaces threonine, which is neutral and polar, with alanine, which is neutral and non-polar, at codon 412 of the PLG protein (p.Thr412Ala). This variant is present in population databases (rs749021358, gnomAD 0.0009%). This variant has not been reported in the literature in individuals affected with PLG-related conditions. Advanced modeling of protein sequence and biophysical properties (such as structural, functional, and spatial information, amino acid conservation, physicochemical variation, residue mobility, and thermodynamic stability) performed at Invitae indicates that this missense variant is not expected to disrupt PLG protein function with a negative predictive value of 80%. In summary, the available evidence is currently insufficient to determine the role of this variant in disease. Therefore, it has been classified as a Variant of Uncertain Significance.